The following is an entry in ClinVar:

ClinVar aggregate classification (germline): Uncertain significance (1 of 4 stars; one submission).

Conditions:
Progressive external ophthalmoplegia with mitochondrial DNA deletions, autosomal recessive 2 (PEOB2). Also called: PROGRESSIVE EXTERNAL OPHTHALMOPLEGIA, AUTOSOMAL RECESSIVE 2. Identifiers: Orphanet 329336, MedGen C4225312, MONDO:0014656, OMIM 616479.

Submission:

Kariminejad - Najmabadi Pathology & Genetics Center
Classification: Uncertain significance for Progressive external ophthalmoplegia with mitochondrial DNA deletions, autosomal recessive 2. Last evaluated: 2023-12-03. Review status: criteria provided, single submitter. Criteria: ACMG Guidelines, 2015. Collection method: clinical testing. Allele origin: germline. Inheritance: Autosomal recessive inheritance. Affected: yes.
Comment: PM2, PP3, PP4

NM_002936.6(RNASEH1):c.137G>A (p.Cys46Tyr)

Gene: RNASEH1 (ribonuclease H1; minus strand). Cytogenetic location: 2p25.3.
Variant type: single nucleotide variant.
Coding change: c.137G>A on transcript NM_002936.6 (MANE Select); coding-DNA position 137, G replaced by A.
Protein change: p.Cys46Tyr; replaces cysteine 46 with tyrosine.
Molecular consequence: missense variant. On other transcripts: 5 prime UTR variant (1), non-coding transcript variant (6).
Genome position (GRCh38, 1-based): chr2:3,556,896, C>T on the plus strand (G>A on the coding strand, the complement: RNASEH1 is on the minus strand). VCF-style: chr2-3556896-C-T. GRCh37 (hg19) VCF-style: chr2-3604486-C-T.
Other names: c.59G>A, p.Cys20Tyr (NM_001286834.3); c.-215G>A (NM_001286837.3); c.137G>A, p.Cys46Tyr (NM_001378271.1, NM_001378272.1, NM_001378273.1); short protein forms C20Y, C46Y.
Identifiers: ClinVar variation 3896969 (VCV003896969.1).